The following is an entry in ClinVar:

NM_020738.4(KIDINS220):c.2428A>G (p.Ile810Val)

Gene: KIDINS220 (kinase D interacting substrate 220; minus strand). Cytogenetic location: 2p25.1.
Variant type: single nucleotide variant.
Coding change: c.2428A>G on transcript NM_020738.4 (MANE Select); coding-DNA position 2428, A replaced by G.
Protein change: p.Ile810Val; replaces isoleucine 810 with valine.
Molecular consequence: missense variant. On other transcripts: non-coding transcript variant (2).
Genome position (GRCh38, 1-based): chr2:8,779,082, T>C on the plus strand (A>G on the coding strand, the complement: KIDINS220 is on the minus strand). VCF-style: chr2-8779082-T-C. GRCh37 (hg19) VCF-style: chr2-8919212-T-C.
Other names: c.2431A>G, p.Ile811Val (NM_001348729.2, NM_001348731.2, NM_001348734.2 and 3 more transcripts); c.2428A>G, p.Ile810Val (NM_001348732.2, NM_001348735.2, NM_001348738.2 and 3 more transcripts); c.2302A>G, p.Ile768Val (NM_001348736.2); short protein forms I811V, I810V, I768V.
Identifiers: ClinVar variation 1032092 (VCV001032092.3), dbSNP rs1671352434, ClinGen allele CA345760212.

ClinVar aggregate classification (germline): Uncertain significance. Review status: criteria provided, multiple submitters, no conflicts (2 of 4 stars). 2 submissions from 2 submitters: Uncertain significance (2). Last evaluated 2025-10-20.

Conditions:
KIDINS220-related disorder. Also called: KIDINS220-related condition.
Spastic paraplegia, intellectual disability, nystagmus, and obesity. Also called: Spastic paraplegia, intellectual disability, nystagmus, and obesity;. Identifiers: Orphanet 521390, MedGen C4284592, MONDO:0015007, OMIM 617296.

Allele frequency attached by ClinVar (database versions not stated): gnomAD exomes below 0.00001.
gnomAD v4.1: 1 of 1,614,048 alleles (0.000062%); highest among the groups gnomAD compares: Non-Finnish European, 0.000085%; no homozygotes.

Submissions (2):

PreventionGenetics, part of Exact Sciences
Classification: Uncertain significance for KIDINS220-related condition. Last evaluated: 2025-10-20. Review status: criteria provided, single submitter. Criteria: ACMG Guidelines, 2015. Collection method: clinical testing. Allele origin: germline.
Comment: The KIDINS220 c.2428A>G variant is predicted to result in the amino acid substitution p.Ile810Val. To our knowledge, this variant has not been reported in the literature or in a large population database (gnomAD), indicating this variant is rare. At this time, the clinical significance of this variant is uncertain due to the absence of conclusive functional and genetic evidence.

Baylor Genetics
Classification: Uncertain significance for Spastic paraplegia, intellectual disability, nystagmus, and obesity. Last evaluated: 2018-10-17. Review status: criteria provided, single submitter. Criteria: ACMG Guidelines, 2015. Collection method: clinical testing. Allele origin: unknown. Affected: yes.
Comment: This variant was determined to be of uncertain significance according to ACMG Guidelines, 2015 [PMID:25741868].